The following is an entry in ClinVar:

ClinVar aggregate classification (germline): Likely benign. Review status: criteria provided, multiple submitters, no conflicts (2 of 4 stars). 2 submissions from 2 submitters: Likely benign (2). Last evaluated 2026-02-03.

Conditions:
RAI1-related disorder. Also called: RAI1-related condition.

Allele frequency attached by ClinVar (database versions not stated): gnomAD exomes below 0.00001 and 0.00003; gnomAD 0.00003 and 0.00004; TOPMed 0.00005.
gnomAD v4.1: 44 of 1,611,830 alleles (0.0027%); highest among the groups gnomAD compares: South Asian, 0.0033%; no homozygotes.

Submissions (2):

Labcorp Genetics (formerly Invitae), Labcorp
Classification: Likely benign. Last evaluated: 2026-02-03. Review status: criteria provided, single submitter. Criteria: Invitae Variant Classification Sherloc (09022015). Collection method: clinical testing. Allele origin: germline.

PreventionGenetics, part of Exact Sciences
Classification: Likely benign for RAI1-related condition. Last evaluated: 2024-11-26. Review status: criteria provided, single submitter. Criteria: ACMG Guidelines, 2015. Collection method: clinical testing. Allele origin: germline.
Comment: This variant is classified as likely benign based on ACMG/AMP sequence variant interpretation guidelines (Richards et al. 2015 PMID: 25741868, with internal and published modifications).

NM_030665.4(RAI1):c.1536G>A (p.Pro512=)

Gene: RAI1 (retinoic acid induced 1; plus strand). Cytogenetic location: 17p11.2.
Variant type: single nucleotide variant.
Coding change: c.1536G>A on transcript NM_030665.4 (MANE Select); coding-DNA position 1536, G replaced by A.
Protein change: p.Pro512=; no amino-acid change (proline 512 retained).
Molecular consequence: synonymous variant.
Genome position (GRCh38, 1-based): chr17:17,794,484, G>A. VCF-style: chr17-17794484-G-A. GRCh37 (hg19) VCF-style: chr17-17697798-G-A.
Other names: c.1536G>A (NM_030665.3).
Identifiers: ClinVar variation 1604377 (VCV001604377.9), dbSNP rs1370279245, ClinGen allele CA498423239.